The following is an entry in ClinVar:

NM_015425.6(POLR1A):c.2890TTC[2] (p.Phe966del)

Genes: POLR1A (RNA polymerase I subunit A; minus strand), LOC126806263 (BRD4-independent group 4 enhancer GRCh37_chr2:86272354-86273553; plus strand). Cytogenetic location: 2p11.2.
Variant type: Microsatellite.
Coding change: c.2890TTC[2] on transcript NM_015425.6 (MANE Select); two copies in a row of the 3-base unit TTC starting at c.2890; the reference has three copies in a row; one copy, 3 bases deleted.
Protein change: p.Phe966del; deletes phenylalanine 966.
Molecular consequence: inframe deletion.
Genome position (GRCh38, 1-based): chr2:86,045,349-86,045,351, GAA deleted on the plus strand (TTC on the coding strand, the reverse complement: POLR1A is on the minus strand); deleting any 3 consecutive bases within chr2:86,045,349-86,045,357 gives the same sequence; the position shown is the placement nearest the transcript's 3' end. VCF-style (leftmost placement, unchanged base first): chr2-86045348-GGAA-G. GRCh37 (hg19) VCF-style: chr2-86272471-GGAA-G.
Other names: short protein forms F966del.
Identifiers: ClinVar variation 1471789 (VCV001471789.6), dbSNP rs751070557, ClinGen allele CA1745926.

ClinVar aggregate classification (germline): Uncertain significance (1 of 4 stars; one submission).

Submission:

Labcorp Genetics (formerly Invitae), Labcorp
Classification: Uncertain significance. Last evaluated: 2022-09-01. Review status: criteria provided, single submitter. Criteria: Invitae Variant Classification Sherloc (09022015). Collection method: clinical testing. Allele origin: germline.
Comment: This variant has not been reported in the literature in individuals affected with POLR1A-related conditions. This variant is present in population databases (rs751070557, gnomAD 0.007%). Experimental studies and prediction algorithms are not available or were not evaluated, and the functional significance of this variant is currently unknown. In summary, the available evidence is currently insufficient to determine the role of this variant in disease. Therefore, it has been classified as a Variant of Uncertain Significance. This variant, c.2896_2898del, results in the deletion of 1 amino acid(s) of the POLR1A protein (p.Phe966del), but otherwise preserves the integrity of the reading frame.